The following is an entry in ClinVar:

ClinVar aggregate classification (germline): Likely pathogenic (1 of 4 stars; one submission).

Conditions:
Autosomal recessive osteopetrosis 1. Also called: ALBERS-SCHONBERG DISEASE, AUTOSOMAL RECESSIVE; TCIRG1-Related Autosomal Recessive Osteopetrosis; TCIRG1-Related Osteopetrosis. Identifiers: Orphanet 667, MedGen C1850127, MONDO:0009815, OMIM 259700.

Submission:

Natera, Inc.
Classification: Likely pathogenic for Infantile malignant osteopetrosis. Last evaluated: 2025-05-20. Review status: criteria provided, single submitter. Criteria: Natera Variant Classification Schema (03/2026). Collection method: clinical testing. Allele origin: germline.
Comment: The c.898_920delinsCAGCCCTGC variant in TCIRG1 is a frameshift variant predicted to shift the reading frame beginning at codon 300 and leads to a stop codon 185 codons downstream. This variant is expected to result in nonsense mediated decay, truncation, or a dysfunctional protein product. This variant is rare in the general population with a frequency below the threshold expected for the associated phenotype(s). Given the available evidence, this variant is classified as Likely Pathogenic.

NM_006019.4(TCIRG1):c.898_920delinsCAGCCCTGC (p.Lys300fs)

Gene: TCIRG1 (T cell immune regulator 1, ATPase H+ transporting V0 subunit a3; plus strand). Cytogenetic location: 11q13.2.
Variant type: Indel.
Coding change: c.898_920delinsCAGCCCTGC on transcript NM_006019.4 (MANE Select); coding-DNA positions 898 to 920, AAGGCCGTGTACCTGGCCCTGAA replaced by CAGCCCTGC.
Protein change: p.Lys300fs; shifts the reading frame from lysine 300.
Molecular consequence: frameshift variant. On other transcripts: intron variant (4).
Genome position (GRCh38, 1-based): chr11:68,044,222-68,044,244, AAGGCCGTGTACCTGGCCCTGAA replaced by CAGCCCTGC. VCF-style: chr11-68044222-AAGGCCGTGTACCTGGCCCTGAA-CAGCCCTGC. GRCh37 (hg19) VCF-style: chr11-67811689-AAGGCCGTGTACCTGGCCCTGAA-CAGCCCTGC.
Other names: c.898_920delinsCAGCCCTGC, p.Lys300fs (NM_001440554.1, NM_001440557.1, NM_001440558.1 and 2 more transcripts); c.856_878delinsCAGCCCTGC, p.Lys286fs (NM_001440555.1, NM_001440556.1, NM_001440563.1); c.685_707delinsCAGCCCTGC, p.Lys229fs (NM_001440561.1, NM_001440562.1, NM_001440566.1 and 1 more transcripts); c.643_665delinsCAGCCCTGC, p.Lys215fs (NM_001440564.1); c.598_620delinsCAGCCCTGC, p.Lys200fs (NM_001440565.1); c.250_272delinsCAGCCCTGC, p.Lys84fs (NM_006053.4); c.807+315_807+337delinsCAGCCCTGC (NM_001440559.1, NM_001440560.1); c.503+1191_503+1213delinsCAGCCCTGC (NM_001440569.1); and 2 more; short protein forms K200fs, K215fs, K229fs, K286fs, K2fs, K300fs, K84fs.
Identifiers: ClinVar variation 4815489 (VCV004815489.1).